The following is an entry in ClinVar:

NM_002474.3(MYH11):c.4365+310A>G

Genes: MYH11 (myosin heavy chain 11; minus strand), NDE1 (nudE neurodevelopment protein 1; plus strand). Cytogenetic location: 16p13.11.
Variant type: single nucleotide variant.
Coding change: c.4365+310A>G on transcript NM_002474.3 (MANE Select); 310 bases into the intron after coding-DNA position 4365, A replaced by G.
Molecular consequence: intron variant.
Genome position (GRCh38, 1-based): chr16:15,723,851, T>C on the plus strand (A>G on the coding strand, the complement: MYH11 is on the minus strand). VCF-style: chr16-15723851-T-C. GRCh37 (hg19) VCF-style: chr16-15817708-T-C.
Other names: c.948-340T>C (NM_001143979.2, NM_017668.3); c.4365+310A>G (NM_022844.3); c.4386+310A>G (NM_001040114.2, NM_001040113.2).
Identifiers: ClinVar variation 680737 (VCV000680737.2), dbSNP rs7195874, ClinGen allele CA278605213.

ClinVar aggregate classification (germline): Benign. Review status: criteria provided, multiple submitters, no conflicts (2 of 4 stars). 2 submissions from 2 submitters: Benign (2). Last evaluated 2018-06-14.

Allele frequency attached by ClinVar (database versions not stated): gnomAD 0.09847 and 0.10383; TOPMed 0.10691; 1000 Genomes Project 0.11382; 1000 Genomes Project 30x 0.11977.
gnomAD v4.1: 14,834 of 152,224 alleles (9.7%); highest among the groups gnomAD compares: African/African-American, 29%; 1,897 homozygotes.

Submissions (2):

GeneDx
Classification: Benign. Last evaluated: 2018-06-14. Review status: criteria provided, single submitter. Criteria: GeneDx Variant Classification (06012015). Collection method: clinical testing. Allele origin: germline. Affected: yes.
Comment: This variant is considered likely benign or benign based on one or more of the following criteria: it is a conservative change, it occurs at a poorly conserved position in the protein, it is predicted to be benign by multiple in silico algorithms, and/or has population frequency not consistent with disease.

Breakthrough Genomics
Classification: Benign. Review status: criteria provided, single submitter. Criteria: ACMG Guidelines, 2015. Collection method: not provided. Allele origin: germline. Inheritance: Autosomal recessive inheritance. Affected: yes.